The following is an entry in ClinVar:

ClinVar aggregate classification (germline): Uncertain significance. Review status: criteria provided, multiple submitters, no conflicts (2 of 4 stars). 2 submissions from 2 submitters: Uncertain significance (2). Last evaluated 2022-07-25.

Conditions:
Ataxia-telangiectasia syndrome (AT). Also called: Ataxia telangiectasia (A-T); Ataxia-telangiectasia, complementation group D; AT, COMPLEMENTATION GROUP C; ATAXIA-TELANGIECTASIA, COMPLEMENTATION GROUP A; Ataxia-telangiectasia, complementation group E; ATAXIA-TELANGIECTASIA, FRESNO VARIANT. Identifiers: Orphanet 100, MedGen C0004135, MONDO:0008840, OMIM 208900.

Submissions (2):

Labcorp Genetics (formerly Invitae), Labcorp
Classification: Uncertain significance for Ataxia-telangiectasia syndrome. Last evaluated: 2022-07-25. Review status: criteria provided, single submitter. Criteria: Invitae Variant Classification Sherloc (09022015). Collection method: clinical testing. Allele origin: germline.
Comment: In summary, the available evidence is currently insufficient to determine the role of this variant in disease. Therefore, it has been classified as a Variant of Uncertain Significance. Algorithms developed to predict the effect of sequence changes on RNA splicing suggest that this variant may create or strengthen a splice site. Advanced modeling of protein sequence and biophysical properties (such as structural, functional, and spatial information, amino acid conservation, physicochemical variation, residue mobility, and thermodynamic stability) performed at Invitae indicates that this missense variant is not expected to disrupt ATM protein function. ClinVar contains an entry for this variant (Variation ID: 567675). This variant has not been reported in the literature in individuals affected with ATM-related conditions. This variant is not present in population databases (gnomAD no frequency). This sequence change replaces isoleucine, which is neutral and non-polar, with methionine, which is neutral and non-polar, at codon 495 of the ATM protein (p.Ile495Met).

Baylor Genetics
Classification: Uncertain significance for Ataxia-telangiectasia syndrome. Last evaluated: 2020-06-25. Review status: criteria provided, single submitter. Criteria: ACMG Guidelines, 2015. Collection method: clinical testing. Allele origin: unknown. Affected: yes.
Comment: This variant was determined to be of uncertain significance according to ACMG Guidelines, 2015 [PMID:25741868].

NM_000051.4(ATM):c.1485A>G (p.Ile495Met)

Gene: ATM (ATM serine/threonine kinase; plus strand). Cytogenetic location: 11q22.3.
Variant type: single nucleotide variant.
Coding change: c.1485A>G on transcript NM_000051.4 (MANE Select); coding-DNA position 1485, A replaced by G.
Protein change: p.Ile495Met; replaces isoleucine 495 with methionine.
Molecular consequence: missense variant.
Genome position (GRCh38, 1-based): chr11:108,250,950, A>G. VCF-style: chr11-108250950-A-G. GRCh37 (hg19) VCF-style: chr11-108121677-A-G.
Other names: c.1485A>G, p.Ile495Met (NM_001351834.2); short protein forms I495M.
Identifiers: ClinVar variation 567675 (VCV000567675.9), dbSNP rs1565383283, ClinGen allele CA382534195.